The following is an entry in ClinVar:

NM_001375567.1(FOCAD):c.2434G>C (p.Gly812Arg)

Gene: FOCAD (focadhesin; plus strand). Cytogenetic location: 9p21.3.
Variant type: single nucleotide variant.
Coding change: c.2434G>C on transcript NM_001375567.1 (MANE Select); coding-DNA position 2434, G replaced by C.
Protein change: p.Gly812Arg; replaces glycine 812 with arginine.
Molecular consequence: missense variant.
Genome position (GRCh38, 1-based): chr9:20,881,987, G>C. VCF-style: chr9-20881987-G-C. GRCh37 (hg19) VCF-style: chr9-20881986-G-C.
Other names: c.2329G>C, p.Gly777Arg (NM_001375568.1, NM_001375570.1); c.2434G>C, p.Gly812Arg (NM_017794.5); short protein forms G812R, G777R.
Identifiers: ClinVar variation 3632622 (VCV003632622.2).

ClinVar aggregate classification (germline): Uncertain significance (1 of 4 stars; one submission).

gnomAD v4.1: 127 of 1,613,800 alleles (0.0079%); highest among the groups gnomAD compares: Non-Finnish European, 0.01%; no homozygotes.

Submission:

Labcorp Genetics (formerly Invitae), Labcorp
Classification: Uncertain significance. Last evaluated: 2025-10-23. Review status: criteria provided, single submitter. Criteria: Invitae Variant Classification Sherloc (09022015). Collection method: clinical testing. Allele origin: germline.
Comment: This sequence change replaces glycine, which is neutral and non-polar, with arginine, which is basic and polar, at codon 812 of the FOCAD protein (p.Gly812Arg). This variant is present in population databases (rs369836949, gnomAD 0.003%). This variant has not been reported in the literature in individuals affected with FOCAD-related conditions. ClinVar contains an entry for this variant (Variation ID: 3632622). Experimental studies and prediction algorithms are not available or were not evaluated, and the functional significance of this variant is currently unknown. In summary, the available evidence is currently insufficient to determine the role of this variant in disease. Therefore, it has been classified as a Variant of Uncertain Significance.